The following is an entry in ClinVar:

NM_018060.4(IARS2):c.1886G>C (p.Gly629Ala)

Gene: IARS2 (isoleucyl-tRNA synthetase 2, mitochondrial; plus strand). Cytogenetic location: 1q41.
Variant type: single nucleotide variant.
Coding change: c.1886G>C on transcript NM_018060.4 (MANE Select); coding-DNA position 1886, G replaced by C.
Protein change: p.Gly629Ala; replaces glycine 629 with alanine.
Molecular consequence: missense variant.
Genome position (GRCh38, 1-based): chr1:220,134,450, G>C. VCF-style: chr1-220134450-G-C. GRCh37 (hg19) VCF-style: chr1-220307792-G-C.
Other names: c.1886G>C (NM_018060.3); short protein forms G629A.
Identifiers: ClinVar variation 1938221 (VCV001938221.5), dbSNP rs1253827792, ClinGen allele CA344640847.

ClinVar aggregate classification (germline): Uncertain significance. Review status: criteria provided, multiple submitters, no conflicts (2 of 4 stars). 2 submissions from 2 submitters: Uncertain significance (2). Last evaluated 2024-08-08.

Allele frequency attached by ClinVar (database versions not stated): TOPMed below 0.00001; gnomAD 0.00001.
gnomAD v4.1: 12 of 1,613,376 alleles (0.00074%); highest among the groups gnomAD compares: Non-Finnish European, 0.001%; no homozygotes.

Submissions (2):

GeneDx
Classification: Uncertain significance. Last evaluated: 2024-08-08. Review status: criteria provided, single submitter. Criteria: GeneDx Variant Classification Process June 2021. Collection method: clinical testing. Allele origin: germline. Affected: yes.
Comment: Not observed at significant frequency in large population cohorts (gnomAD); In silico analysis supports that this missense variant has a deleterious effect on protein structure/function; Has not been previously published as pathogenic or benign to our knowledge

Labcorp Genetics (formerly Invitae), Labcorp
Classification: Uncertain significance. Last evaluated: 2022-08-16. Review status: criteria provided, single submitter. Criteria: Invitae Variant Classification Sherloc (09022015). Collection method: clinical testing. Allele origin: germline.
Comment: In summary, the available evidence is currently insufficient to determine the role of this variant in disease. Therefore, it has been classified as a Variant of Uncertain Significance. Algorithms developed to predict the effect of missense changes on protein structure and function are either unavailable or do not agree on the potential impact of this missense change (SIFT: "Tolerated"; PolyPhen-2: "Probably Damaging"; Align-GVGD: "Class C0"). This sequence change replaces glycine, which is neutral and non-polar, with alanine, which is neutral and non-polar, at codon 629 of the IARS2 protein (p.Gly629Ala). This variant is not present in population databases (gnomAD no frequency). This variant has not been reported in the literature in individuals affected with IARS2-related conditions.